The following is an entry in ClinVar:

ClinVar aggregate classification (germline): Conflicting classifications of pathogenicity. Review status: criteria provided, conflicting classifications (1 of 4 stars). 3 submissions from 3 submitters: Uncertain significance (1); Likely benign (1). 1 of the submissions does not count toward it. Last evaluated 2025-08-14.

Conditions:
MYH9-related disorder. Identifiers: MedGen C1854520.

Allele frequency attached by ClinVar (database versions not stated): TOPMed below 0.00001; gnomAD 0.00001.
gnomAD v4.1: 5 of 1,614,072 alleles (0.00031%); highest among the groups gnomAD compares: East Asian, 0.0022%; no homozygotes.

Submissions (3):

GeneDx
Classification: Uncertain significance. Last evaluated: 2025-08-14. Review status: criteria provided, single submitter. Criteria: GeneDx Variant Classification Process June 2021. Collection method: clinical testing. Allele origin: germline. Affected: yes.
Comment: Not observed at significant frequency in large population cohorts (gnomAD); In silico analysis suggests that this variant does not alter splicing; Has not been previously published as pathogenic or benign to our knowledge

Labcorp Genetics (formerly Invitae), Labcorp
Classification: Likely benign. Last evaluated: 2024-12-19. Review status: criteria provided, single submitter. Criteria: Invitae Variant Classification Sherloc (09022015). Collection method: clinical testing. Allele origin: germline.

PreventionGenetics, part of Exact Sciences
Classification: Likely benign for MYH9-related condition. Last evaluated: 2024-02-27. Review status: no assertion criteria provided. Collection method: clinical testing. Allele origin: germline. Not counted in ClinVar's aggregate classification.
Comment: This variant is classified as likely benign based on ACMG/AMP sequence variant interpretation guidelines (Richards et al. 2015 PMID: 25741868, with internal and published modifications).

NM_002473.6(MYH9):c.5748C>G (p.Ser1916=)

Gene: MYH9 (myosin heavy chain 9; minus strand). Cytogenetic location: 22q12.3.
Variant type: single nucleotide variant.
Coding change: c.5748C>G on transcript NM_002473.6 (MANE Select); coding-DNA position 5748, C replaced by G.
Protein change: p.Ser1916=; no amino-acid change (serine 1916 retained).
Molecular consequence: synonymous variant.
Genome position (GRCh38, 1-based): chr22:36,284,110, G>C on the plus strand (C>G on the coding strand, the complement: MYH9 is on the minus strand). VCF-style: chr22-36284110-G-C. GRCh37 (hg19) VCF-style: chr22-36680156-G-C.
Other names: c.5748C>G (NM_002473.4).
Identifiers: ClinVar variation 2976025 (VCV002976025.5), dbSNP rs1285335824, ClinGen allele CA514473005.